The following is an entry in ClinVar:

NM_013266.4(CTNNA3):c.1561T>C (p.Cys521Arg)

Gene: CTNNA3 (catenin alpha 3; minus strand). Cytogenetic location: 10q21.3.
Variant type: single nucleotide variant.
Coding change: c.1561T>C on transcript NM_013266.4 (MANE Select); coding-DNA position 1561, T replaced by C.
Protein change: p.Cys521Arg; replaces cysteine 521 with arginine.
Molecular consequence: missense variant.
Genome position (GRCh38, 1-based): chr10:66,379,323, A>G on the plus strand (T>C on the coding strand, the complement: CTNNA3 is on the minus strand). VCF-style: chr10-66379323-A-G. GRCh37 (hg19) VCF-style: chr10-68139081-A-G.
Other names: c.1561T>C, p.Cys521Arg (NM_001127384.3); short protein forms C521R.
Identifiers: ClinVar variation 3270122 (VCV003270122.1).

ClinVar aggregate classification (germline): Uncertain significance (1 of 4 stars; one submission).

gnomAD v4.1: 4 of 1,614,088 alleles (0.00025%); highest among the groups gnomAD compares: Non-Finnish European, 0.00034%; no homozygotes.

Submission:

Ambry Genetics
Classification: Uncertain significance. Last evaluated: 2024-04-28. Review status: criteria provided, single submitter. Criteria: Ambry Variant Classification Scheme 2023. Collection method: clinical testing. Allele origin: germline.
Comment: The p.C521R variant (also known as c.1561T>C), located in coding exon 11 of the CTNNA3 gene, results from a T to C substitution at nucleotide position 1561. The cysteine at codon 521 is replaced by arginine, an amino acid with highly dissimilar properties. This amino acid position is conserved. In addition, this alteration is predicted to be deleterious by in silico analysis. Based on the available evidence, the clinical significance of this variant remains unclear.